The following is an entry in ClinVar:

NM_173660.5(DOK7):c.528del (p.Tyr177fs)

Gene: DOK7 (docking protein 7; plus strand). Cytogenetic location: 4p16.3.
Variant type: Deletion.
Coding change: c.528del on transcript NM_173660.5 (MANE Select); coding-DNA position 528, one base deleted (G; older notation c.528delG).
Protein change: p.Tyr177fs; shifts the reading frame from tyrosine 177.
Molecular consequence: frameshift variant. On other transcripts: intron variant (2).
Genome position (GRCh38, 1-based): chr4:3,476,538, G deleted; the last of 3 consecutive G bases (chr4:3,476,536-3,476,538); deleting any one gives the same sequence. VCF-style (leftmost placement, unchanged base first): chr4-3476535-TG-T. GRCh37 (hg19) VCF-style: chr4-3478262-TG-T.
Other names: c.528del, p.Tyr177fs (NM_001301071.2); c.101-9001del (NM_001363811.2); c.521+7del (NM_001164673.2); short protein forms Y177fs.
Identifiers: ClinVar variation 3749510 (VCV003749510.2).

ClinVar aggregate classification (germline): Pathogenic (1 of 4 stars; one submission).

Conditions:
Fetal akinesia deformation sequence 1 (FADS1). Also called: Fetal akinesia sequence; Pena-Shokeir syndrome type I. Identifiers: Orphanet 994, MedGen C1276035, MONDO:0100101, OMIM 208150, HP:0001989.
Congenital myasthenic syndrome 10. Also called: Myasthenia, limb-girdle, familial. Identifiers: Orphanet 590, MedGen C1850792, MONDO:0009690, OMIM 254300.

Submission:

Labcorp Genetics (formerly Invitae), Labcorp
Classification: Pathogenic for Congenital myasthenic syndrome 10; Fetal akinesia deformation sequence 1. Last evaluated: 2024-12-23. Review status: criteria provided, single submitter. Criteria: Invitae Variant Classification Sherloc (09022015). Collection method: clinical testing. Allele origin: germline.
Comment: This sequence change creates a premature translational stop signal (p.Tyr177Thrfs*69) in the DOK7 gene. While this is not anticipated to result in nonsense mediated decay, it is expected to disrupt the last 328 amino acid(s) of the DOK7 protein. This variant is not present in population databases (gnomAD no frequency). This variant has not been reported in the literature in individuals affected with DOK7-related conditions. This variant disrupts a region of the DOK7 protein in which other variant(s) (p.Pro486Argfs*15) have been determined to be pathogenic (PMID: 29118959). This suggests that this is a clinically significant region of the protein, and that variants that disrupt it are likely to be disease-causing. For these reasons, this variant has been classified as Pathogenic.

Literature cited by the submitters: PubMed 29118959.